The following is an entry in ClinVar:

NM_004663.5(RAB11A):c.430G>C (p.Glu144Gln)

Gene: RAB11A (RAB11A, member RAS oncogene family; plus strand). Cytogenetic location: 15q22.31.
Variant type: single nucleotide variant.
Coding change: c.430G>C on transcript NM_004663.5 (MANE Select); coding-DNA position 430, G replaced by C.
Protein change: p.Glu144Gln; replaces glutamic acid 144 with glutamine.
Molecular consequence: missense variant.
Genome position (GRCh38, 1-based): chr15:65,877,955, G>C. VCF-style: chr15-65877955-G-C. GRCh37 (hg19) VCF-style: chr15-66170293-G-C.
Other names: c.430G>C, p.Glu144Gln (NM_001206836.2); short protein forms E144Q.
Identifiers: ClinVar variation 1722920 (VCV001722920.3), dbSNP rs2549035654, ClinGen allele CA392922203.
Genomic context (GRCh38, chr15:65,877,955, plus strand): 5'-AATAAGAGTGATCTACGTCATCTCAGGGCAGTTCCTACAGATGAAGCAAGAGCTTTTGCA[G>C]GTTAGTGATAGGAATTCCATGATATTTCTTACCATTGTGTCTTGTGGTTTTGATACCTTC-3'
Protein context (NP_004654.1, residues 134-154): VPTDEARAFA[Glu144Gln]KNGLSFIETS

ClinVar aggregate classification (germline): Uncertain significance (1 of 4 stars; one submission).

Submission:

GeneDx
Classification: Uncertain significance. Last evaluated: 2024-10-31. Review status: criteria provided, single submitter. Criteria: GeneDx Variant Classification Process June 2021. Collection method: clinical testing. Allele origin: germline. Affected: yes.
Comment: Not observed at significant frequency in large population cohorts (gnomAD); In silico analysis supports that this missense variant has a deleterious effect on protein structure/function; Has not been previously published as pathogenic or benign to our knowledge